The following is an entry in ClinVar:

NM_080680.3(COL11A2):c.2071-3C>G

Gene: COL11A2 (collagen type XI alpha 2 chain; minus strand). Cytogenetic location: 6p21.32.
Variant type: single nucleotide variant.
Coding change: c.2071-3C>G on transcript NM_080680.3 (MANE Select); 3 bases into the intron before coding-DNA position 2071, C replaced by G.
Molecular consequence: intron variant.
Genome position (GRCh38, 1-based): chr6:33,176,768, G>C on the plus strand (C>G on the coding strand, the complement: COL11A2 is on the minus strand). VCF-style: chr6-33176768-G-C. GRCh37 (hg19) VCF-style: chr6-33144545-G-C.
Other names: c.1750-3C>G (NM_080679.3); c.1813-3C>G (NM_080681.3).
Identifiers: ClinVar variation 1481990 (VCV001481990.6), dbSNP rs1770965376, ClinGen allele CA2573140228.

ClinVar aggregate classification (germline): Uncertain significance (1 of 4 stars; one submission).

Allele frequency attached by ClinVar (database versions not stated): gnomAD exomes below 0.00001.
gnomAD v4.1: 1 of 1,612,572 alleles (0.000062%); highest among the groups gnomAD compares: East Asian, 0.0022%; no homozygotes.

Submission:

Labcorp Genetics (formerly Invitae), Labcorp
Classification: Uncertain significance. Last evaluated: 2022-07-12. Review status: criteria provided, single submitter. Criteria: Invitae Variant Classification Sherloc (09022015). Collection method: clinical testing. Allele origin: germline.
Comment: This variant is not present in population databases (gnomAD no frequency). This sequence change falls in intron 25 of the COL11A2 gene. It does not directly change the encoded amino acid sequence of the COL11A2 protein. It affects a nucleotide within the consensus splice site. This variant has not been reported in the literature in individuals affected with COL11A2-related conditions. ClinVar contains an entry for this variant (Variation ID: 1481990). Variants that disrupt the consensus splice site are a relatively common cause of aberrant splicing (PMID: 17576681, 9536098). Algorithms developed to predict the effect of sequence changes on RNA splicing suggest that this variant may disrupt the consensus splice site. In summary, the available evidence is currently insufficient to determine the role of this variant in disease. Therefore, it has been classified as a Variant of Uncertain Significance.

Literature cited by the submitters: PubMed 17576681; PubMed 9536098.